The following is an entry in ClinVar:

NM_001297.5(CNGB1):c.3552C>G (p.Pro1184=)

Gene: CNGB1 (cyclic nucleotide gated channel subunit beta 1; minus strand). Cytogenetic location: 16q21.
Variant type: single nucleotide variant.
Coding change: c.3552C>G on transcript NM_001297.5 (MANE Select); coding-DNA position 3552, C replaced by G.
Protein change: p.Pro1184=; no amino-acid change (proline 1184 retained).
Molecular consequence: synonymous variant.
Genome position (GRCh38, 1-based): chr16:57,884,368, G>C on the plus strand (C>G on the coding strand, the complement: CNGB1 is on the minus strand). VCF-style: chr16-57884368-G-C. GRCh37 (hg19) VCF-style: chr16-57918272-G-C.
Other names: c.3552C>G (NM_001297.4); c.3534C>G, p.Pro1178= (NM_001286130.2).
Identifiers: ClinVar variation 3008538 (VCV003008538.4), dbSNP rs547549398, ClinGen allele CA8082510.
Genomic context (GRCh38, chr16:57,884,368, plus strand): 5'-GGAGGCAGGCGGTGGAGAGCTCGGTGGAGACCCCGGGGGCTCGGGGGGCGTCCGGGGCGC[G>C]GGTGGGTCGGTGGCGGCCTCCTTTGGGTGCGTGTGCTGGTCTGGGGCGGCGGAGCCTTCC-3'
Protein context (NP_001288.3, residues 1174-1194): THPKEAATDP[Pro1184=]APRTPPEPPG

ClinVar aggregate classification (germline): Likely benign. Review status: criteria provided, multiple submitters, no conflicts (2 of 4 stars). 2 submissions from 2 submitters: Likely benign (2). Last evaluated 2024-10-17.

Conditions:
CNGB1-related disorder. Also called: CNGB1-related condition.

gnomAD v4.1: 21 of 1,611,548 alleles (0.0013%); highest among the groups gnomAD compares: South Asian, 0.015%; no homozygotes.

Submissions (2):

PreventionGenetics, part of Exact Sciences
Classification: Likely benign for CNGB1-related condition. Last evaluated: 2024-10-17. Review status: criteria provided, single submitter. Criteria: ACMG Guidelines, 2015. Collection method: clinical testing. Allele origin: germline.
Comment: This variant is classified as likely benign based on ACMG/AMP sequence variant interpretation guidelines (Richards et al. 2015 PMID: 25741868, with internal and published modifications).

Labcorp Genetics (formerly Invitae), Labcorp
Classification: Likely benign. Last evaluated: 2024-06-12. Review status: criteria provided, single submitter. Criteria: Invitae Variant Classification Sherloc (09022015). Collection method: clinical testing. Allele origin: germline.